The following is an entry in ClinVar:

NM_001267550.2(TTN):c.66240A>C (p.Ala22080=)

Genes: TTN (titin; minus strand), TTN-AS1 (TTN antisense RNA 1; plus strand). Cytogenetic location: 2q31.2.
Variant type: single nucleotide variant.
Coding change: c.66240A>C on transcript NM_001267550.2 (MANE Select); coding-DNA position 66240, A replaced by C.
Protein change: p.Ala22080=; no amino-acid change (alanine 22080 retained).
Molecular consequence: synonymous variant.
Genome position (GRCh38, 1-based): chr2:178,582,129, T>G on the plus strand (A>C on the coding strand, the complement: TTN is on the minus strand). VCF-style: chr2-178582129-T-G. GRCh37 (hg19) VCF-style: chr2-179446856-T-G.
Other names: c.61317A>C, p.Ala20439= (NM_001256850.1); c.39045A>C, p.Ala13015= (NM_003319.4); c.39420A>C, p.Ala13140= (NM_133432.3); c.39621A>C, p.Ala13207= (NM_133437.4); c.58536A>C, p.Ala19512= (NM_133378.4).
Identifiers: ClinVar variation 228129 (VCV000228129.17), dbSNP rs375181938, ClinGen allele CA10576495.

ClinVar aggregate classification (germline): Likely benign. Review status: criteria provided, multiple submitters, no conflicts (2 of 4 stars). 4 submissions from 4 submitters: Likely benign (4). Last evaluated 2025-11-26.

Conditions:
TTN-related disorder. Also called: TTN-related disorders; TTN-related condition; TTN-related disease.
Cardiovascular phenotype. Identifiers: MedGen CN230736.
Dilated cardiomyopathy 1G (CMD1G). Identifiers: Orphanet 154, MedGen C1858763, MONDO:0011400, OMIM 604145.
Autosomal recessive limb-girdle muscular dystrophy type 2J (LGMDR10). Also called: Limb-girdle muscular dystrophy, type 2J; MUSCULAR DYSTROPHY, LIMB-GIRDLE, AUTOSOMAL RECESSIVE 10. Identifiers: Orphanet 140922, MedGen C1837342, MONDO:0012127, OMIM 608807.

Allele frequency attached by ClinVar (database versions not stated): gnomAD exomes below 0.00001; gnomAD 0.00002; TOPMed 0.00004; ESP Exome Variant Server 0.00008.
gnomAD v4.1: 8 of 1,612,754 alleles (0.0005%); highest among the groups gnomAD compares: African/African-American, 0.011%; no homozygotes.

Submissions (4):

Labcorp Genetics (formerly Invitae), Labcorp
Classification: Likely benign for Dilated cardiomyopathy 1G; Autosomal recessive limb-girdle muscular dystrophy type 2J. Last evaluated: 2025-11-26. Review status: criteria provided, single submitter. Criteria: Invitae Variant Classification Sherloc (09022015). Collection method: clinical testing. Allele origin: germline.

PreventionGenetics, part of Exact Sciences
Classification: Likely benign for TTN-related condition. Last evaluated: 2025-07-24. Review status: criteria provided, single submitter. Criteria: ACMG Guidelines, 2015. Collection method: clinical testing. Allele origin: germline.
Comment: This variant is classified as likely benign based on ACMG/AMP sequence variant interpretation guidelines (Richards et al. 2015 PMID: 25741868, with internal and published modifications).

Ambry Genetics
Classification: Likely benign for Cardiovascular phenotype. Last evaluated: 2021-05-03. Review status: criteria provided, single submitter. Criteria: Ambry Variant Classification Scheme 2023. Collection method: clinical testing. Allele origin: germline.

Laboratory for Molecular Medicine, Mass General Brigham Personalized Medicine
Classification: Likely benign. Last evaluated: 2012-03-19. Review status: criteria provided, single submitter. Criteria: LMM Criteria. Collection method: clinical testing. Allele origin: germline. Observed: 1 variant allele.
Comment: p.Ala19512Ala in exon 264 of TTN: This variant is not expected to have clinical significance because it does not alter an amino acid residue and is not located within the splice consensus sequence. It has been identified in 1/3052 African A merican chromosomes from a broad population by the NHLBI Exome Sequencing Projec t.